The following is an entry in ClinVar:

ClinVar aggregate classification (germline): Benign. Review status: criteria provided, single submitter (1 of 4 stars). 2 submissions from 2 submitters: Benign (1). 1 of the submissions does not count toward it. Last evaluated 2025-03-16.

Conditions:
RAI1-related disorder. Also called: RAI1-related condition.

Allele frequency attached by ClinVar (database versions not stated): gnomAD 0.00003; TOPMed 0.00003; ExAC 0.00008; 1000 Genomes Project 0.00040; 1000 Genomes Project 30x 0.00047.
gnomAD v4.1: 22 of 1,613,948 alleles (0.0014%); highest among the groups gnomAD compares: East Asian, 0.049%; no homozygotes.

Submissions (2):

Labcorp Genetics (formerly Invitae), Labcorp
Classification: Benign. Last evaluated: 2025-03-16. Review status: criteria provided, single submitter. Criteria: Invitae Variant Classification Sherloc (09022015). Collection method: clinical testing. Allele origin: germline.

PreventionGenetics, part of Exact Sciences
Classification: Likely benign for RAI1-related condition. Last evaluated: 2022-02-02. Review status: no assertion criteria provided. Collection method: clinical testing. Allele origin: germline. Not counted in ClinVar's aggregate classification.
Comment: This variant is classified as likely benign based on ACMG/AMP sequence variant interpretation guidelines (Richards et al. 2015 PMID: 25741868, with internal and published modifications).

NM_030665.4(RAI1):c.4119C>A (p.Gly1373=)

Gene: RAI1 (retinoic acid induced 1; plus strand). Cytogenetic location: 17p11.2.
Variant type: single nucleotide variant.
Coding change: c.4119C>A on transcript NM_030665.4 (MANE Select); coding-DNA position 4119, C replaced by A.
Protein change: p.Gly1373=; no amino-acid change (glycine 1373 retained).
Molecular consequence: synonymous variant.
Genome position (GRCh38, 1-based): chr17:17,797,067, C>A. VCF-style: chr17-17797067-C-A. GRCh37 (hg19) VCF-style: chr17-17700381-C-A.
Other names: c.4119C>A (NM_030665.3).
Identifiers: ClinVar variation 2140335 (VCV002140335.6), dbSNP rs202177323, ClinGen allele CA8418893.